The following is an entry in ClinVar:

NM_007259.5(VPS45):c.758C>T (p.Pro253Leu)

Gene: VPS45 (vacuolar protein sorting 45 homolog; plus strand). Cytogenetic location: 1q21.2.
Variant type: single nucleotide variant.
Coding change: c.758C>T on transcript NM_007259.5 (MANE Select); coding-DNA position 758, C replaced by T.
Protein change: p.Pro253Leu; replaces proline 253 with leucine.
Molecular consequence: missense variant. On other transcripts: non-coding transcript variant (1).
Genome position (GRCh38, 1-based): chr1:150,081,412, C>T. VCF-style: chr1-150081412-C-T. GRCh37 (hg19) VCF-style: chr1-150053494-C-T.
Other names: c.443C>T, p.Pro148Leu (NM_001279353.2); c.650C>T, p.Pro217Leu (NM_001279354.2); short protein forms P148L, P217L, P253L.
Identifiers: ClinVar variation 791006 (VCV000791006.49), dbSNP rs143828923, ClinGen allele CA1073231.

ClinVar aggregate classification (germline): Conflicting classifications of pathogenicity. Review status: criteria provided, conflicting classifications (1 of 4 stars). 7 submissions from 7 submitters: Likely pathogenic (1); Uncertain significance (3); Likely benign (3). Last evaluated 2026-07-01.

Conditions:
Congenital neutropenia-myelofibrosis-nephromegaly syndrome. Also called: Severe congenital neutropenia 5, autosomal recessive. Identifiers: Orphanet 369852, MedGen C3809031, MONDO:0014118, OMIM 615285.

Allele frequency attached by ClinVar (database versions not stated): 1000 Genomes Project 30x 0.00016; 1000 Genomes Project 0.00020; gnomAD 0.00026 and 0.00027; TOPMed 0.00030; gnomAD exomes 0.00031 and 0.00045; ExAC 0.00038; ESP Exome Variant Server 0.00038.
gnomAD v4.1: 504 of 1,607,858 alleles (0.031%); highest among the groups gnomAD compares: Middle Eastern, 0.12%; no homozygotes.

Submissions (7):

CeGaT Center for Human Genetics Tuebingen
Classification: Uncertain significance. Last evaluated: 2026-07-01. Review status: criteria provided, single submitter. Criteria: CeGaT Center For Human Genetics Tuebingen Variant Classification Criteria Version 2. Collection method: clinical testing. Allele origin: germline. Affected: yes. Observed: 2 variant alleles.
Comment: VPS45: PM2, PP3

Labcorp Genetics (formerly Invitae), Labcorp
Classification: Likely benign for Congenital neutropenia-myelofibrosis-nephromegaly syndrome. Last evaluated: 2026-02-01. Review status: criteria provided, single submitter. Criteria: Invitae Variant Classification Sherloc (09022015). Collection method: clinical testing. Allele origin: germline.

Genetic Services Laboratory, University of Chicago
Classification: Uncertain significance. Last evaluated: 2025-12-26. Review status: criteria provided, single submitter. Criteria: ACMG Guidelines, 2015. Collection method: clinical testing. Allele origin: germline.
Comment: DNA sequence analysis of the VPS45 gene demonstrated a sequence change, c.758C>T, in exon 8 that results in an amino acid change, p.Pro253Leu. This sequence change does not appear to have been previously described in individuals with VPS45-related disorders. This sequence change has been described in the gnomAD database with a frequency of 0.48% in the Ashkenazi Jewish subpopulation and 0.04% in the overall population (dbSNP rs143828923). The p.Pro253Leu change affects a highly conserved amino acid residue located in a domain of the VPS45 protein that is known to be functional. The p.Pro253Leu substitution appears to be deleterious using several in-silico pathogenicity prediction tools (SIFT, PolyPhen2, Align GVGD, REVEL). Due to insufficient evidences and the lack of functional studies, the clinical significance of the p.Pro253Leu change remains unknown at this time.

Blueprint Genetics
Classification: Likely benign. Last evaluated: 2024-10-23. Review status: criteria provided, single submitter. Criteria: ACMG Guidelines, 2015. Collection method: clinical testing. Allele origin: germline.

Women's Health and Genetics/Laboratory Corporation of America, LabCorp
Classification: Likely benign. Last evaluated: 2024-08-09. Review status: criteria provided, single submitter. Criteria: LabCorp Variant Classification Summary - May 2015. Collection method: clinical testing. Allele origin: germline.
Comment: Variant summary: VPS45 c.758C>T (p.Pro253Leu) results in a non-conservative amino acid change in the encoded protein sequence. Five of five in-silico tools predict a damaging effect of the variant on protein function. The variant allele was found at a frequency of 0.00045 in 244654 control chromosomes. The observed variant frequency is approximately 2-fold of the estimated maximal expected allele frequency for a pathogenic variant in VPS45 causing Severe Congenital Neutropenia phenotype (0.00025). To our knowledge, no occurrence of c.758C>T in individuals affected with Severe Congenital Neutropenia and no experimental evidence demonstrating its impact on protein function have been reported. ClinVar contains an entry for this variant (Variation ID: 791006). Based on the evidence outlined above, the variant was classified as likely benign.

GeneDx
Classification: Uncertain significance. Last evaluated: 2023-12-18. Review status: criteria provided, single submitter. Criteria: GeneDx Variant Classification Process June 2021. Collection method: clinical testing. Allele origin: germline. Affected: yes.
Comment: In silico analysis supports that this missense variant has a deleterious effect on protein structure/function; Has not been previously published as pathogenic or benign to our knowledge; This variant is associated with the following publications: (PMID: 23738510)

Genomics Facility, Ludwig-Maximilians-Universität München
Classification: Likely pathogenic for Congenital neutropenia-myelofibrosis-nephromegaly syndrome. Last evaluated: 2021-12-28. Review status: criteria provided, single submitter. Criteria: ACMG Guidelines, 2015. Collection method: clinical testing. Allele origin: biparental. Inheritance: Autosomal recessive inheritance. Affected: yes.

Literature cited by the submitters: PubMed 23738510 (cited by Genomics Facility, Ludwig-Maximilians-Universität München).